The following is an entry in ClinVar:

ClinVar aggregate classification (germline): Pathogenic. Review status: criteria provided, multiple submitters, no conflicts (2 of 4 stars). 2 submissions from 2 submitters: Pathogenic (2). Last evaluated 2025-01-23.

Conditions:
TWIST1-related craniosynostosis (CRS1). Also called: CRANIOSYNOSTOSIS 1. Identifiers: Orphanet 63440, MedGen C4551902, MONDO:0007399, OMIM 123100. Inheritance: Heterogenous inheritance pattern.
Saethre-Chotzen syndrome (SCS). Also called: ACROCEPHALY, SKULL ASYMMETRY, AND MILD SYNDACTYLY; ACS III; CHOTZEN SYNDROME. Identifiers: Orphanet 794, MedGen C0175699, MONDO:0007042, OMIM 101400.

Submissions (2):

Labcorp Genetics (formerly Invitae), Labcorp
Classification: Pathogenic for TWIST1-related craniosynostosis; Saethre-Chotzen syndrome. Last evaluated: 2025-01-23. Review status: criteria provided, single submitter. Criteria: Invitae Variant Classification Sherloc (09022015). Collection method: clinical testing. Allele origin: germline.
Comment: This sequence change results in a frameshift in the TWIST1 gene (p.Lys142Aspfs*104). While this is not anticipated to result in nonsense mediated decay, it is expected to disrupt the last 61 amino acid(s) of the TWIST1 protein and extend the protein by 42 additional amino acid residues. This variant is not present in population databases (gnomAD no frequency). This variant has not been reported in the literature in individuals affected with TWIST1-related conditions. ClinVar contains an entry for this variant (Variation ID: 2504943). This variant disrupts a region of the TWIST1 protein in which other variant(s) (p.Leu159Phe) have been determined to be pathogenic (PMID: 10094188, 10749989; internal data). This suggests that this is a clinically significant region of the protein, and that variants that disrupt it are likely to be disease-causing. For these reasons, this variant has been classified as Pathogenic.

GeneDx
Classification: Pathogenic. Last evaluated: 2023-06-09. Review status: criteria provided, single submitter. Criteria: GeneDx Variant Classification Process June 2021. Collection method: clinical testing. Allele origin: germline. Affected: yes.
Comment: Frameshift variant predicted to result in protein extension, as the last 61 amino acids are replaced with 103 different amino acids, and other loss-of-function variants have been reported downstream in HGMD; Not observed at significant frequency in large population cohorts (gnomAD); Has not been previously published as pathogenic or benign to our knowledge

Literature cited by the submitters: PubMed 10094188 (cited by Labcorp Genetics (formerly Invitae), Labcorp); PubMed 10749989 (cited by Labcorp Genetics (formerly Invitae), Labcorp).

NM_000474.4(TWIST1):c.399_423dup (p.Lys142fs)

Genes: TWIST1 (twist family bHLH transcription factor 1; minus strand), LOC129998021 (ATAC-STARR-seq lymphoblastoid active region 25682; plus strand). Cytogenetic location: 7p21.1.
Variant type: Duplication.
Coding change: c.399_423dup on transcript NM_000474.4 (MANE Select); coding-DNA positions 399 to 423, 25 bases duplicated (GATCATCCCCACGCTGCCCTCGGAC).
Protein change: p.Lys142fs; shifts the reading frame from lysine 142.
Molecular consequence: frameshift variant. On other transcripts: non-coding transcript variant (1).
Genome position (GRCh38, 1-based): chr7:19,116,899-19,116,923, GTCCGAGGGCAGCGTGGGGATGATC duplicated on the plus strand (GATCATCCCCACGCTGCCCTCGGAC on the coding strand, the reverse complement: TWIST1 is on the minus strand). VCF-style (leftmost placement, unchanged base first): chr7-19116898-T-TGTCCGAGGGCAGCGTGGGGATGATC. GRCh37 (hg19) VCF-style: chr7-19156521-T-TGTCCGAGGGCAGCGTGGGGATGATC.
Other names: short protein forms K142fs.
Identifiers: ClinVar variation 2504943 (VCV002504943.3), dbSNP rs2486049592, ClinGen allele CA2580615853.